The following is an entry in ClinVar:

NM_006517.5(SLC16A2):c.1235G>A (p.Gly412Asp)

Gene: SLC16A2 (solute carrier family 16 member 2; plus strand). Cytogenetic location: Xq13.2.
Variant type: single nucleotide variant.
Coding change: c.1235G>A on transcript NM_006517.5 (MANE Select); coding-DNA position 1235, G replaced by A.
Protein change: p.Gly412Asp; replaces glycine 412 with aspartic acid.
Molecular consequence: missense variant.
Genome position (GRCh38, 1-based): chrX:74,529,277, G>A. VCF-style: chrX-74529277-G-A. GRCh37 (hg19) VCF-style: chrX-73749112-G-A.
Other names: short protein forms G412D.
Identifiers: ClinVar variation 1391749 (VCV001391749.8), dbSNP rs1312142074, ClinGen allele CA413658296.

ClinVar aggregate classification (germline): Uncertain significance (1 of 4 stars; one submission).

Conditions:
Spastic paraplegia. Identifiers: MedGen C0037772, HP:0001258.

Allele frequency attached by ClinVar (database versions not stated): gnomAD exomes below 0.00001; gnomAD 0.00001.
gnomAD v4.1: 5 of 1,210,442 alleles (0.00041%); highest among the groups gnomAD compares: Non-Finnish European, 0.00056%; no homozygotes.

Submission:

Labcorp Genetics (formerly Invitae), Labcorp
Classification: Uncertain significance for Spastic paraplegia. Last evaluated: 2023-08-24. Review status: criteria provided, single submitter. Criteria: Invitae Variant Classification Sherloc (09022015). Collection method: clinical testing. Allele origin: germline.
Comment: In summary, the available evidence is currently insufficient to determine the role of this variant in disease. Therefore, it has been classified as a Variant of Uncertain Significance. Advanced modeling of protein sequence and biophysical properties (such as structural, functional, and spatial information, amino acid conservation, physicochemical variation, residue mobility, and thermodynamic stability) has been performed at Invitae for this missense variant, however the output from this modeling did not meet the statistical confidence thresholds required to predict the impact of this variant on SLC16A2 protein function. ClinVar contains an entry for this variant (Variation ID: 1391749). This variant has not been reported in the literature in individuals affected with SLC16A2-related conditions. This variant is present in population databases (no rsID available, gnomAD 0.009%). This sequence change replaces glycine, which is neutral and non-polar, with aspartic acid, which is acidic and polar, at codon 412 of the SLC16A2 protein (p.Gly412Asp).